The following is an entry in ClinVar:

ClinVar aggregate classification (germline): Uncertain significance (1 of 4 stars; one submission).

Allele frequency attached by ClinVar (database versions not stated): TOPMed below 0.00001; gnomAD exomes 0.00001.
gnomAD v4.1: 8 of 1,614,264 alleles (0.0005%); highest among the groups gnomAD compares: Non-Finnish European, 0.00068%; no homozygotes.

Submission:

Labcorp Genetics (formerly Invitae), Labcorp
Classification: Uncertain significance. Last evaluated: 2022-12-16. Review status: criteria provided, single submitter. Criteria: Invitae Variant Classification Sherloc (09022015). Collection method: clinical testing. Allele origin: germline.
Comment: In summary, the available evidence is currently insufficient to determine the role of this variant in disease. Therefore, it has been classified as a Variant of Uncertain Significance. Advanced modeling of protein sequence and biophysical properties (such as structural, functional, and spatial information, amino acid conservation, physicochemical variation, residue mobility, and thermodynamic stability) performed at Invitae indicates that this missense variant is expected to disrupt DVL3 protein function. This sequence change replaces arginine, which is basic and polar, with cysteine, which is neutral and slightly polar, at codon 478 of the DVL3 protein (p.Arg478Cys). This variant is not present in population databases (gnomAD no frequency). This variant has not been reported in the literature in individuals affected with DVL3-related conditions.

NM_004423.4(DVL3):c.1432C>T (p.Arg478Cys)

Gene: DVL3 (dishevelled segment polarity protein 3; plus strand). Cytogenetic location: 3q27.1.
Variant type: single nucleotide variant.
Coding change: c.1432C>T on transcript NM_004423.4 (MANE Select); coding-DNA position 1432, C replaced by T.
Protein change: p.Arg478Cys; replaces arginine 478 with cysteine.
Molecular consequence: missense variant.
Genome position (GRCh38, 1-based): chr3:184,167,999, C>T. VCF-style: chr3-184167999-C-T. GRCh37 (hg19) VCF-style: chr3-183885787-C-T.
Other names: short protein forms R478C.
Identifiers: ClinVar variation 2978852 (VCV002978852.3), dbSNP rs1577051048, ClinGen allele CA355412507.
Genomic context (GRCh38, chr3:184,167,999, plus strand): 5'-TTCACGGACCGGAGGGAGGCCCGCAAGTATGCCAGCAACCTGCTGAAAGCTGGCTTCATC[C>T]GCCATACCGTCAACAAGATCACCTTCTCCGAGCAGTGCTACTACATCTTCGGTGACCTCT-3'
Protein context (NP_004414.3, residues 468-488): ASNLLKAGFI[Arg478Cys]HTVNKITFSE